The following is an entry in ClinVar:

NM_001376.5(DYNC1H1):c.13133G>A (p.Arg4378Gln)

Gene: DYNC1H1 (dynein cytoplasmic 1 heavy chain 1; plus strand). Cytogenetic location: 14q32.31.
Variant type: single nucleotide variant.
Coding change: c.13133G>A on transcript NM_001376.5 (MANE Select); coding-DNA position 13133, G replaced by A.
Protein change: p.Arg4378Gln; replaces arginine 4378 with glutamine.
Molecular consequence: missense variant.
Genome position (GRCh38, 1-based): chr14:102,047,943, G>A. VCF-style: chr14-102047943-G-A. GRCh37 (hg19) VCF-style: chr14-102514280-G-A.
Other names: short protein forms R4378Q.
Identifiers: ClinVar variation 2897758 (VCV002897758.4), dbSNP rs1567025256, ClinGen allele CA391046313.

ClinVar aggregate classification (germline): Uncertain significance. Review status: criteria provided, multiple submitters, no conflicts (2 of 4 stars). 2 submissions from 2 submitters: Uncertain significance (2). Last evaluated 2026-04-07.

Conditions:
DYNC1H1-related disorder. Also called: DYNC1H1-related condition; DYNC1H1-related disorders. Identifiers: MedGen CN381529.
Charcot-Marie-Tooth disease axonal type 2O. Also called: Charcot-Marie-Tooth disease, axonal, type 20; CHARCOT-MARIE-TOOTH DISEASE, AXONAL, AUTOSOMAL DOMINANT, TYPE 2O; CHARCOT-MARIE-TOOTH NEUROPATHY, AXONAL, TYPE 2O; Charcot-Marie-Tooth Neuropathy Type 2O. Identifiers: Orphanet 284232, MedGen C3280220, MONDO:0013644, OMIM 614228.

Allele frequency attached by ClinVar (database versions not stated): gnomAD exomes below 0.00001.
gnomAD v4.1: 5 of 1,613,114 alleles (0.00031%); highest among the groups gnomAD compares: Non-Finnish European, 0.00025%; no homozygotes.

Submissions (2):

PreventionGenetics, part of Exact Sciences
Classification: Uncertain significance for DYNC1H1-related condition. Last evaluated: 2026-04-07. Review status: criteria provided, single submitter. Criteria: ACMG Guidelines, 2015. Collection method: clinical testing. Allele origin: germline.
Comment: The DYNC1H1 c.13133G>A variant is predicted to result in the amino acid substitution p.Arg4378Gln. To our knowledge, this variant has not been reported in the literature or in a large population database (gnomAD), indicating this variant is rare. At this time, the clinical significance of this variant is uncertain due to the absence of conclusive functional and genetic evidence.

Labcorp Genetics (formerly Invitae), Labcorp
Classification: Uncertain significance for Charcot-Marie-Tooth disease axonal type 2O. Last evaluated: 2024-09-23. Review status: criteria provided, single submitter. Criteria: Invitae Variant Classification Sherloc (09022015). Collection method: clinical testing. Allele origin: germline.
Comment: This sequence change replaces arginine, which is basic and polar, with glutamine, which is neutral and polar, at codon 4378 of the DYNC1H1 protein (p.Arg4378Gln). This variant is not present in population databases (gnomAD no frequency). This variant has not been reported in the literature in individuals affected with DYNC1H1-related conditions. Invitae Evidence Modeling of protein sequence and biophysical properties (such as structural, functional, and spatial information, amino acid conservation, physicochemical variation, residue mobility, and thermodynamic stability) indicates that this missense variant is not expected to disrupt DYNC1H1 protein function with a negative predictive value of 95%. In summary, the available evidence is currently insufficient to determine the role of this variant in disease. Therefore, it has been classified as a Variant of Uncertain Significance.